The following is an entry in ClinVar:

ClinVar aggregate classification (germline): Uncertain significance. Review status: criteria provided, multiple submitters, no conflicts (2 of 4 stars). 3 submissions from 3 submitters: Uncertain significance (3). Last evaluated 2025-02-05.

Conditions:
Hereditary sensory and autonomic neuropathy type 6. Also called: Neuropathy, hereditary sensory and autonomic, type VI; HSAN VI. Identifiers: Orphanet 314381, MedGen C3539003, MONDO:0013839, OMIM 614653.
Epidermolysis bullosa simplex 3, localized or generalized intermediate, with BP230 deficiency (EBS3). Also called: Epidermolysis bullosa simplex, autosomal recessive 2; Epidermolysis bullosa simplex due to BP230 deficiency. Identifiers: Orphanet 412181, MedGen C3809470, MONDO:0014180, OMIM 615425.
Inborn genetic diseases. Identifiers: MedGen C0950123, MeSH D030342.

Allele frequency attached by ClinVar (database versions not stated): TOPMed 0.00003; ExAC 0.00017; gnomAD exomes 0.00017.
gnomAD v4.1: 119 of 1,613,770 alleles (0.0074%); highest among the groups gnomAD compares: South Asian, 0.11%; 1 homozygote.

Submissions (3):

Labcorp Genetics (formerly Invitae), Labcorp
Classification: Uncertain significance for Epidermolysis bullosa simplex 3, localized or generalized intermediate, with BP230 deficiency; Hereditary sensory and autonomic neuropathy type 6. Last evaluated: 2025-02-05. Review status: criteria provided, single submitter. Criteria: Invitae Variant Classification Sherloc (09022015). Collection method: clinical testing. Allele origin: germline.
Comment: The DST gene has multiple clinically relevant transcripts. This variant occurs in alternate transcript NM_015548.4, and corresponds to NM_001723.5:c.*85924A>G in the primary transcript. This sequence change replaces glutamine, which is neutral and polar, with arginine, which is basic and polar, at codon 3194 of the DST protein (p.Gln3194Arg). This variant is present in population databases (rs761791970, gnomAD 0.1%). This variant has not been reported in the literature in individuals affected with DST-related conditions. Experimental studies and prediction algorithms are not available or were not evaluated, and the functional significance of this variant is currently unknown. In summary, the available evidence is currently insufficient to determine the role of this variant in disease. Therefore, it has been classified as a Variant of Uncertain Significance.

CeGaT Center for Human Genetics Tuebingen
Classification: Uncertain significance. Last evaluated: 2023-06-01. Review status: criteria provided, single submitter. Criteria: CeGaT Center For Human Genetics Tuebingen Variant Classification Criteria Version 2. Collection method: clinical testing. Allele origin: germline. Affected: yes. Observed: 1 variant allele.

Ambry Genetics
Classification: Uncertain significance for Inborn genetic diseases. Last evaluated: 2021-09-02. Review status: criteria provided, single submitter. Criteria: Ambry Variant Classification Scheme 2023. Collection method: clinical testing. Allele origin: germline.
Comment: The p.Q3698R variant (also known as c.11093A>G), located in coding exon 60 of the DST gene, results from an A to G substitution at nucleotide position 11093. The glutamine at codon 3698 is replaced by arginine, an amino acid with highly similar properties. This amino acid position is well conserved in available vertebrate species; however, arginine is the reference amino acid in other vertebrate species. In addition, this alteration is predicted to be tolerated by in silico analysis. Since supporting evidence is limited at this time, the clinical significance of this alteration remains unclear.

NM_001374736.1(DST):c.17450A>G (p.Gln5817Arg)

Gene: DST (dystonin; minus strand). Cytogenetic location: 6p12.1.
Variant type: single nucleotide variant.
Coding change: c.17450A>G on transcript NM_001374736.1 (MANE Select); coding-DNA position 17450, A replaced by G.
Protein change: p.Gln5817Arg; replaces glutamine 5817 with arginine.
Molecular consequence: missense variant. On other transcripts: intron variant (2).
Genome position (GRCh38, 1-based): chr6:56,529,593, T>C on the plus strand (A>G on the coding strand, the complement: DST is on the minus strand). VCF-style: chr6-56529593-T-C. GRCh37 (hg19) VCF-style: chr6-56394391-T-C.
Other names: c.11093A>G, p.Gln3698Arg (NM_001144769.5); c.10679A>G, p.Gln3560Arg (NM_001144770.2); c.17450A>G, p.Gln5817Arg (NM_001374722.1); c.17477A>G, p.Gln5826Arg (NM_001374734.1); c.9581A>G, p.Gln3194Arg (NM_015548.5); c.10559A>G, p.Gln3520Arg (NM_183380.4); c.10377+381A>G (NM_001374730.1); c.16635+381A>G (NM_001374729.1); short protein forms Q3194R, Q3560R, Q3698R, Q5817R, Q3520R, Q5826R.
Identifiers: ClinVar variation 969747 (VCV000969747.32), dbSNP rs761791970, ClinGen allele CA3867435.
Genomic context (GRCh38, chr6:56,529,593, plus strand): 5'-AGCCAGTTCATCAGTTCAACTTCATCTTCCCCAAAAATCTTAGCATTACATAAGGCCTGC[T>C]GGAGGAGCTCAGACCTGCTGTGACTTTTCTCTTGAATCTCAATGTACCATACTTGAGAGA-3'
Protein context (NP_001361665.1, residues 5807-5827): EKSHSRSELL[Gln5817Arg]QALCNAKIFG